The following is an entry in ClinVar:

NM_001558.4(IL10RA):c.155C>G (p.Ser52Cys)

Gene: IL10RA (interleukin 10 receptor subunit alpha; plus strand). Cytogenetic location: 11q23.3.
Variant type: single nucleotide variant.
Coding change: c.155C>G on transcript NM_001558.4 (MANE Select); coding-DNA position 155, C replaced by G.
Protein change: p.Ser52Cys; replaces serine 52 with cysteine.
Molecular consequence: missense variant. On other transcripts: non-coding transcript variant (1).
Genome position (GRCh38, 1-based): chr11:117,988,469, C>G. VCF-style: chr11-117988469-C-G. GRCh37 (hg19) VCF-style: chr11-117859184-C-G.
Other names: short protein forms S52C.
Identifiers: ClinVar variation 1927543 (VCV001927543.5), dbSNP rs1366152604, ClinGen allele CA382772919.

ClinVar aggregate classification (germline): Uncertain significance (1 of 4 stars; one submission).

Conditions:
Inflammatory bowel disease 28. Also called: Inflammatory bowel disease 28, early onset, autosomal recessive. Identifiers: Orphanet 238569, MedGen C2751053, MONDO:0013153, OMIM 613148.

Allele frequency attached by ClinVar (database versions not stated): gnomAD exomes below 0.00001; gnomAD 0.00001; TOPMed 0.00001.
gnomAD v4.1: 4 of 1,613,980 alleles (0.00025%); highest among the groups gnomAD compares: Admixed American, 0.0033%; no homozygotes.

Submission:

Labcorp Genetics (formerly Invitae), Labcorp
Classification: Uncertain significance for Inflammatory bowel disease 28. Last evaluated: 2022-04-08. Review status: criteria provided, single submitter. Criteria: Invitae Variant Classification Sherloc (09022015). Collection method: clinical testing. Allele origin: germline.
Comment: In summary, the available evidence is currently insufficient to determine the role of this variant in disease. Therefore, it has been classified as a Variant of Uncertain Significance. Algorithms developed to predict the effect of missense changes on protein structure and function are either unavailable or do not agree on the potential impact of this missense change (SIFT: "Tolerated"; PolyPhen-2: "Possibly Damaging"; Align-GVGD: "Class C15"). This variant has not been reported in the literature in individuals affected with IL10RA-related conditions. This variant is present in population databases (no rsID available, gnomAD 0.003%). This sequence change replaces serine, which is neutral and polar, with cysteine, which is neutral and slightly polar, at codon 52 of the IL10RA protein (p.Ser52Cys).